The following is an entry in ClinVar:

NM_001378454.1(ALMS1):c.7751del (p.Lys2584fs)

Gene: ALMS1 (ALMS1 centrosome and basal body associated protein; plus strand). Cytogenetic location: 2p13.1.
Variant type: Deletion.
Coding change: c.7751del on transcript NM_001378454.1 (MANE Select); coding-DNA position 7751, one base deleted (A; older notation c.7751delA).
Protein change: p.Lys2584fs; shifts the reading frame from lysine 2584.
Molecular consequence: frameshift variant.
Genome position (GRCh38, 1-based): chr2:73,489,710, A deleted; the last of 4 consecutive A bases (chr2:73,489,707-73,489,710); deleting any one gives the same sequence. VCF-style (leftmost placement, unchanged base first): chr2-73489706-GA-G. GRCh37 (hg19) VCF-style: chr2-73716833-GA-G.
Other names: c.7754del, p.Lys2585fs (NM_015120.4); short protein forms K2584fs, K2585fs.
Identifiers: ClinVar variation 2745820 (VCV002745820.3), dbSNP rs2466212358, ClinGen allele CA2697548275.

ClinVar aggregate classification (germline): Pathogenic (1 of 4 stars; one submission).

Conditions:
Alstrom syndrome (ALMS). Identifiers: Orphanet 64, MedGen C0268425, MONDO:0008763, OMIM 203800.

Submission:

Labcorp Genetics (formerly Invitae), Labcorp
Classification: Pathogenic for Alstrom syndrome. Last evaluated: 2023-07-22. Review status: criteria provided, single submitter. Criteria: Invitae Variant Classification Sherloc (09022015). Collection method: clinical testing. Allele origin: germline.
Comment: For these reasons, this variant has been classified as Pathogenic. This variant has not been reported in the literature in individuals affected with ALMS1-related conditions. This variant is not present in population databases (gnomAD no frequency). This sequence change creates a premature translational stop signal (p.Lys2585Argfs*7) in the ALMS1 gene. It is expected to result in an absent or disrupted protein product. Loss-of-function variants in ALMS1 are known to be pathogenic (PMID: 17594715).

Literature cited by the submitters: PubMed 17594715.